The following is an entry in ClinVar:

NM_000059.4(BRCA2):c.8444_8446del (p.Val2815del)

Gene: BRCA2 (BRCA2 DNA repair associated; plus strand). Cytogenetic location: 13q13.1.
Variant type: Deletion.
Coding change: c.8444_8446del on transcript NM_000059.4 (MANE Select); coding-DNA positions 8444 to 8446, 3 bases deleted (TTG; older notation c.8444_8446delTTG).
Protein change: p.Val2815del; deletes valine 2815.
Molecular consequence: inframe deletion.
Genome position (GRCh38, 1-based): chr13:32,370,514-32,370,516, TTG deleted; deleting any 3 consecutive bases within chr13:32,370,512-32,370,516 gives the same sequence; the c. name uses the placement nearest the transcript's 3' end. VCF-style (leftmost placement, unchanged base first): chr13-32370511-ATGT-A. GRCh37 (hg19) VCF-style: chr13-32944648-ATGT-A.
Other names: c.8444_8446delTTG (NM_000059.3); c.8444_8446del (NM_000059.3); short protein forms V2815del.
Identifiers: ClinVar variation 479351 (VCV000479351.16), dbSNP rs1555287648, ClinGen allele CA658656376.
Genomic context (GRCh38, chr13:32,370,511, plus strand): 5'-TCTTTCCTGACCCTAGACCTTTTCCTCTGCCCTTATCATCGCTTTTCAGTGATGGAGGAA[ATGT>A]TGGTTGTGTTGATGTAATTATTCAAAGAGCATACCCTATACAGGTATGATGTATTCTTGA-3'

ClinVar aggregate classification (germline): Uncertain significance. Review status: criteria provided, multiple submitters, no conflicts (2 of 4 stars). 4 submissions from 4 submitters: Uncertain significance (4). Last evaluated 2025-08-26.

Conditions:
Hereditary cancer-predisposing syndrome. Also called: Neoplastic Syndromes, Hereditary; Hereditary Cancer Syndrome; Hereditary neoplastic syndrome; Tumor predisposition. Identifiers: Orphanet 140162, MedGen C0027672, MeSH D009386, MONDO:0015356.
Hereditary breast ovarian cancer syndrome. Also called: Hereditary breast and ovarian cancer syndrome (HBOC); Hereditary breast and ovarian cancer syndrome; Breast and ovarian cancer; BRCA1- and BRCA2-Associated Hereditary Breast and Ovarian Cancer; Hereditary breast and ovarian cancer; Hereditary breast and/or ovarian cancer syndrome. Identifiers: Orphanet 145, MedGen C0677776, MeSH D061325, MONDO:0003582. Disease mechanism: loss of function.

Submissions (4):

Molecular Diagnostics Laboratory, Catalan Institute of Oncology
Classification: Uncertain significance for Hereditary cancer-predisposing syndrome. Last evaluated: 2025-08-26. Review status: criteria provided, single submitter. Criteria: ClinGen BRCA1BRCA2 ACMG Specifications BRCA2 V1.0.0. Collection method: clinical testing. Allele origin: germline.
Comment: PP3 c.8444_8446del, located in exon 19 of the BRCA2 gene, consists in the deletion of 3 nucleotides, predicted to cause an in-frame deletion of one amino acid (p.(Val2815del)). It is not present in the population database gnomAD v2.1.1, non-cancer dataset. The SpliceAI algorithm predicts no significant impact on splicing. Algorithms developed to predict the effect of in-frame deletions suggest that this variant is likely to be disruptive (PROVEAN= -3,663; cutoff= -2,5) (PP3). To our knowledge, neither relevant clinical data nor well-established functional studies have been reported for this variant. This variant has been reported in the ClinVar database (2x uncertain significance), has not been reported in LOVD nor has it been reviewed by the ENIGMA expert panel. Based on the currently available evidence, c.8444_8446del is classified as an uncertain significance variant according to ClinGen ENIGMA BRCA1 and BRCA2 Expert Panel Specifications to the ACMG/AMP Variant Interpretation Guidelines for BRCA2 Version 1.0.0.

Quest Diagnostics Nichols Institute San Juan Capistrano
Classification: Uncertain significance. Last evaluated: 2025-03-12. Review status: criteria provided, single submitter. Criteria: Quest Diagnostics criteria. Collection method: clinical testing. Allele origin: unknown.
Comment: The BRCA2 c.8444_8446del (p.Val2815del) variant has been reported in the published literature in an individual with an unspecified form of cancer (PMID: 31853058 (2020)). This variant has not been reported in large, multi-ethnic general populations (Genome Aggregation Database). Based on the available information, we are unable to determine the clinical significance of this variant.

Labcorp Genetics (formerly Invitae), Labcorp
Classification: Uncertain significance for Hereditary breast ovarian cancer syndrome. Last evaluated: 2023-10-28. Review status: criteria provided, single submitter. Criteria: Invitae Variant Classification Sherloc (09022015). Collection method: clinical testing. Allele origin: germline.
Comment: This variant, c.8444_8446del, results in the deletion of 1 amino acid(s) of the BRCA2 protein (p.Val2815del), but otherwise preserves the integrity of the reading frame. This variant is not present in population databases (gnomAD no frequency). This variant has not been reported in the literature in individuals affected with BRCA2-related conditions. ClinVar contains an entry for this variant (Variation ID: 479351). Experimental studies and prediction algorithms are not available or were not evaluated, and the functional significance of this variant is currently unknown. In summary, the available evidence is currently insufficient to determine the role of this variant in disease. Therefore, it has been classified as a Variant of Uncertain Significance.

Ambry Genetics
Classification: Uncertain significance for Hereditary cancer-predisposing syndrome. Last evaluated: 2022-06-23. Review status: criteria provided, single submitter. Criteria: Ambry Variant Classification Scheme 2023. Collection method: clinical testing. Allele origin: germline.
Comment: The c.8444_8446delTTG variant (also known as p.V2815del) is located in coding exon 18 of the BRCA2 gene. This variant results from an in-frame TTG deletion at nucleotide positions 8444 to 8446. This results in the in-frame deletion of a valine at codon 2815. This amino acid position is highly conserved in available vertebrate species. In addition, the in silico prediction for this alteration is inconclusive (Choi Y et al. PLoS ONE. 2012; 7(10):e46688). Since supporting evidence is limited at this time, the clinical significance of this alteration remains unclear.

Literature cited by the submitters: PubMed 31853058 (cited by Quest Diagnostics Nichols Institute San Juan Capistrano).